The following is an entry in ClinVar:

ClinVar aggregate classification (germline): Pathogenic. Review status: criteria provided, multiple submitters, no conflicts (2 of 4 stars). 2 submissions from 2 submitters: Pathogenic (2). Last evaluated 2026-06-08.

Conditions:
Primary familial hypertrophic cardiomyopathy (HCM). Identifiers: Orphanet 99739, MedGen C0949658, MeSH D024741, MONDO:0024573. Inheritance: Various modes of inheritance.
Hypertrophic cardiomyopathy. Also called: HYPERTROPHIC MYOCARDIOPATHY. Identifiers: Orphanet 217569, MedGen C0007194, MeSH D002312, MONDO:0005045, HP:0001639.

Submissions (2):

Women's Health and Genetics/Laboratory Corporation of America, LabCorp
Classification: Pathogenic for Primary familial hypertrophic cardiomyopathy. Last evaluated: 2026-06-08. Review status: criteria provided, single submitter. Criteria: LabCorp Variant Classification Summary - May 2015. Collection method: clinical testing. Allele origin: germline.
Comment: Variant summary: TNNI3 c.549G>T (p.Lys183Asn) results in a non-conservative amino acid change in the encoded protein sequence. Algorithms developed to predict the effect of missense changes on protein structure and function all suggest that this variant is likely to be disruptive. Computational tools predict a significant impact on normal splicing: Three predict the variant weakens a canonical 5' donor site. One predicts the variant has no significant impact on splicing. However, these predictions have yet to be confirmed by functional studies. The variant was absent in 247838 control chromosomes (gnomAD). c.549G>T has been observed in multiple individuals affected with Hypertrophic Cardiomyopathy (e.g. Millat_2010, Teirlinck_2012). These data indicate that the variant is very likely to be associated with disease. The following publications have been ascertained in the context of this evaluation (PMID: 20624503, 21533915, 23140321). ClinVar contains an entry for this variant (Variation ID: 1409842). Based on the evidence outlined above, the variant was classified as pathogenic.

Labcorp Genetics (formerly Invitae), Labcorp
Classification: Pathogenic for Hypertrophic cardiomyopathy. Last evaluated: 2025-10-28. Review status: criteria provided, single submitter. Criteria: Invitae Variant Classification Sherloc (09022015). Collection method: clinical testing. Allele origin: germline.
Comment: This sequence change replaces lysine, which is basic and polar, with asparagine, which is neutral and polar, at codon 183 of the TNNI3 protein (p.Lys183Asn). This variant also falls at the last nucleotide of exon 7, which is part of the consensus splice site for this exon. This variant is not present in population databases (gnomAD no frequency). This missense change has been observed in individuals with hypertrophic cardiomyopathy (PMID: 21533915, 23140321, 25524337; internal data). ClinVar contains an entry for this variant (Variation ID: 1409842). An algorithm developed to predict the effect of missense changes on protein structure and function (PolyPhen-2) suggests that this variant is likely to be disruptive. Variants that disrupt the consensus splice site are a relatively common cause of aberrant splicing (PMID: 17576681, 9536098). Algorithms developed to predict the effect of sequence changes on RNA splicing suggest that this variant may create or strengthen a splice site. This variant disrupts the p.Lys183 amino acid residue in TNNI3. Other variant(s) that disrupt this residue have been observed in individuals with TNNI3-related conditions (PMID: 15607392), which suggests that this may be a clinically significant amino acid residue. For these reasons, this variant has been classified as Pathogenic.

Literature cited by the submitters: PubMed 20624503 (cited by Women's Health and Genetics/Laboratory Corporation of America, LabCorp); PubMed 23140321 (cited by Women's Health and Genetics/Laboratory Corporation of America, LabCorp and Labcorp Genetics (formerly Invitae), Labcorp); PubMed 21533915 (cited by Women's Health and Genetics/Laboratory Corporation of America, LabCorp and Labcorp Genetics (formerly Invitae), Labcorp); PubMed 25524337 (cited by Labcorp Genetics (formerly Invitae), Labcorp); PubMed 17576681 (cited by Labcorp Genetics (formerly Invitae), Labcorp); PubMed 9536098 (cited by Labcorp Genetics (formerly Invitae), Labcorp); PubMed 15607392 (cited by Labcorp Genetics (formerly Invitae), Labcorp).

NM_000363.5(TNNI3):c.549G>T (p.Lys183Asn)

Gene: TNNI3 (troponin I3, cardiac type; minus strand). Cytogenetic location: 19q13.42.
Variant type: single nucleotide variant.
Coding change: c.549G>T on transcript NM_000363.5 (MANE Select); coding-DNA position 549, G replaced by T.
Protein change: p.Lys183Asn; replaces lysine 183 with asparagine.
Molecular consequence: missense variant.
Genome position (GRCh38, 1-based): chr19:55,154,030, C>A on the plus strand (G>T on the coding strand, the complement: TNNI3 is on the minus strand). VCF-style: chr19-55154030-C-A. GRCh37 (hg19) VCF-style: chr19-55665398-C-A.
Other names: short protein forms K183N.
Identifiers: ClinVar variation 1409842 (VCV001409842.9), dbSNP rs2085710902, ClinGen allele CA407440179.
Genomic context (GRCh38, chr19:55,154,030, plus strand): 5'-TGTTGGCACCCACAGCCCTTCCCCTCAGCATCCTCTTTCCTGGCCTTAGCCCACACTCAC[C>A]TTCTCGGTGTCCTCCTTCTTCACCTGCTTGAGGTGGGCCCGCAGGTCCAGGGACTCCTTA-3'
Protein context (NP_000354.4, residues 173-193): LKQVKKEDTE[Lys183Asn]ENREVGDWRK